The following is an entry in ClinVar:

ClinVar aggregate classification (germline): Pathogenic (1 of 4 stars; one submission).

Conditions:
Mitochondrial complex IV deficiency, nuclear type 1 (MC4DN1). Also called: Mitochondrial complex IV deficiency; Complex 4 mitochondrial respiratory chain deficiency; Deficiency of mitochondrial respiratory chain complex4; Complex IV deficiency; COX DEFICIENCY. Identifiers: MedGen C5435656, MONDO:0700250, OMIM 220110. Disease mechanism: loss of function.

Allele frequency attached by ClinVar (database versions not stated): gnomAD exomes 0.00001; TOPMed 0.00001.

Submission:

Baylor Genetics
Classification: Pathogenic for Mitochondrial complex IV deficiency, nuclear type 1. Last evaluated: 2018-11-02. Review status: criteria provided, single submitter. Criteria: ACMG Guidelines, 2015. Collection method: clinical testing. Allele origin: unknown. Affected: yes.
Comment: This variant was determined to be pathogenic according to ACMG Guidelines, 2015 [PMID:25741868].

NM_004589.4(SCO1):c.263dup (p.Lys89fs)

Gene: SCO1 (synthesis of cytochrome C oxidase 1; minus strand). Cytogenetic location: 17p13.1.
Variant type: Duplication.
Coding change: c.263dup on transcript NM_004589.4 (MANE Select); coding-DNA position 263, one base duplicated (C; older notation c.263dupC).
Protein change: p.Lys89fs; shifts the reading frame from lysine 89.
Molecular consequence: frameshift variant.
Genome position (GRCh38, 1-based): chr17:10,697,245, G duplicated on the plus strand (C on the coding strand, the reverse complement: SCO1 is on the minus strand). VCF-style (leftmost placement, unchanged base first): chr17-10697244-C-CG. GRCh37 (hg19) VCF-style: chr17-10600561-C-CG.
Other names: short protein forms K89fs.
Identifiers: ClinVar variation 1034098 (VCV001034098.1), dbSNP rs1176555010, ClinGen allele CA625015845.